The following is an entry in ClinVar:

NM_006648.4(WNK2):c.365A>C (p.Gln122Pro)

Gene: WNK2 (WNK lysine deficient protein kinase 2; plus strand). Cytogenetic location: 9q22.31.
Variant type: single nucleotide variant.
Coding change: c.365A>C on transcript NM_006648.4 (MANE Select); coding-DNA position 365, A replaced by C.
Protein change: p.Gln122Pro; replaces glutamine 122 with proline.
Molecular consequence: missense variant.
Genome position (GRCh38, 1-based): chr9:93,185,294, A>C. VCF-style: chr9-93185294-A-C. GRCh37 (hg19) VCF-style: chr9-95947576-A-C.
Other names: c.365A>C, p.Gln122Pro (NM_001282394.3); short protein forms Q122P.
Identifiers: ClinVar variation 3470299 (VCV003470299.1).

ClinVar aggregate classification (germline): Uncertain significance (1 of 4 stars; one submission).

gnomAD v4.1: 86 of 1,424,190 alleles (0.006%); highest among the groups gnomAD compares: African/African-American, 0.097%; no homozygotes.

Submission:

Ambry Genetics
Classification: Uncertain significance. Last evaluated: 2024-11-22. Review status: criteria provided, single submitter. Criteria: Ambry Variant Classification Scheme 2023. Collection method: clinical testing. Allele origin: germline.
Comment: The p.Q122P variant (also known as c.365A>C), located in coding exon 1 of the WNK2 gene, results from an A to C substitution at nucleotide position 365. The glutamine at codon 122 is replaced by proline, an amino acid with similar properties. This amino acid position is conserved. In addition, this alteration is predicted to be tolerated by in silico analysis. Based on the available evidence, the clinical significance of this variant remains unclear.